The following is an entry in ClinVar:

ClinVar aggregate classification (germline): Uncertain significance (1 of 4 stars; one submission).

Submission:

Labcorp Genetics (formerly Invitae), Labcorp
Classification: Uncertain significance. Last evaluated: 2022-05-17. Review status: criteria provided, single submitter. Criteria: Invitae Variant Classification Sherloc (09022015). Collection method: clinical testing. Allele origin: germline.
Comment: In summary, the available evidence is currently insufficient to determine the role of this variant in disease. Therefore, it has been classified as a Variant of Uncertain Significance. Algorithms developed to predict the effect of missense changes on protein structure and function are either unavailable or do not agree on the potential impact of this missense change (SIFT: "Deleterious"; PolyPhen-2: "Probably Damaging"; Align-GVGD: "Class C0"). This variant has not been reported in the literature in individuals affected with IFT81-related conditions. This variant is not present in population databases (gnomAD no frequency). This sequence change replaces serine, which is neutral and polar, with threonine, which is neutral and polar, at codon 487 of the IFT81 protein (p.Ser487Thr).

NM_014055.4(IFT81):c.1459T>A (p.Ser487Thr)

Gene: IFT81 (intraflagellar transport 81; plus strand). Cytogenetic location: 12q24.11.
Variant type: single nucleotide variant.
Coding change: c.1459T>A on transcript NM_014055.4 (MANE Select); coding-DNA position 1459, T replaced by A.
Protein change: p.Ser487Thr; replaces serine 487 with threonine.
Molecular consequence: missense variant. On other transcripts: non-coding transcript variant (4).
Genome position (GRCh38, 1-based): chr12:110,191,040, T>A. VCF-style: chr12-110191040-T-A. GRCh37 (hg19) VCF-style: chr12-110628845-T-A.
Other names: c.1459T>A, p.Ser487Thr (NM_001143779.2); c.529T>A, p.Ser177Thr (NM_001347947.2, NM_001347948.2); short protein forms S177T, S487T.
Identifiers: ClinVar variation 1995162 (VCV001995162.4), dbSNP rs2500002772, ClinGen allele CA386905952.